The following is an entry in ClinVar:

NM_002582.4(PARN):c.1749_1750del (p.Glu585fs)

Gene: PARN (poly(A)-specific ribonuclease; minus strand). Cytogenetic location: 16p13.12.
Variant type: Deletion.
Coding change: c.1749_1750del on transcript NM_002582.4 (MANE Select); coding-DNA positions 1749 to 1750, 2 bases deleted (AG; older notation c.1749_1750delAG).
Protein change: p.Glu585fs; shifts the reading frame from glutamic acid 585.
Molecular consequence: frameshift variant.
Genome position (GRCh38, 1-based): chr16:14,447,002-14,447,003, CT deleted on the plus strand (AG on the coding strand, the reverse complement: PARN is on the minus strand). VCF-style (leftmost placement, unchanged base first): chr16-14447001-CCT-C. GRCh37 (hg19) VCF-style: chr16-14540858-CCT-C.
Other names: p.Glu524fs; p.Glu585fs; c.1566_1567del, p.Glu524fs (NM_001134477.3); c.1611_1612del, p.Glu539fs (NM_001242992.2); c.1749_1750delAG (NM_002582.3); short protein forms E524fs, E539fs, E585fs.
Identifiers: ClinVar variation 977495 (VCV000977495.42), dbSNP rs1194089098, ClinGen allele CA621181743.

ClinVar aggregate classification (germline): Pathogenic/Likely pathogenic. Review status: criteria provided, multiple submitters, no conflicts (2 of 4 stars). 8 submissions from 8 submitters: Pathogenic (3); Likely pathogenic (4). 1 of the submissions does not count toward it. Last evaluated 2026-09-16.

Conditions:
Pulmonary fibrosis and/or bone marrow failure, Telomere-related, 4. Also called: PULMONARY FIBROSIS AND/OR BONE MARROW FAILURE SYNDROME, TELOMERE-RELATED, 4. Identifiers: Orphanet 2032, MedGen C4225347, MONDO:0014612, OMIM 616371.
Pulmonary fibrosis. Identifiers: MedGen C0034069, MONDO:0002771, HP:0002206.
Dyskeratosis congenita, autosomal recessive 6 (DKCB6). Identifiers: MedGen C4225356, MONDO:0014600, OMIM 616353.
PARN-related disorder. Also called: PARN-related condition; PARN-related disorders.

Allele frequency attached by ClinVar (database versions not stated): gnomAD 0.00005 and 0.00006; gnomAD exomes 0.00003; TOPMed 0.00003.

Submissions (8):

PreventionGenetics, part of Exact Sciences
Classification: Pathogenic for PARN-related condition. Last evaluated: 2026-09-16. Review status: criteria provided, single submitter. Criteria: ACMG Guidelines, 2015. Collection method: clinical testing. Allele origin: germline.
Comment: The PARN c.1749_1750delAG variant is predicted to result in a frameshift and premature protein termination (p.Glu585Aspfs*5). This variant has been reported in individuals with pulmonary fibrosis and/or interstitial lung disease and shortened telomere length (Table S1, Maryoung et al. 2017. PubMed ID: 28192371; Juge et al. 2017. PubMed ID: 28495692; Table S4, Zhang et al. 2022. PubMed ID: 36028256; Petrovski et al. 2017. PubMed ID: 28099038). This variant is reported in 0.019% of alleles in individuals of European (non-Finnish) descent in gnomAD and is interpreted as likely pathogenic/pathogenic in the ClinVar database (Variation ID: 977495). Frameshift variants in PARN are expected to be pathogenic. This variant is interpreted as pathogenic.

GeneDx
Classification: Likely pathogenic. Last evaluated: 2026-04-04. Review status: criteria provided, single submitter. Criteria: GeneDx Variant Classification Process June 2021. Collection method: clinical testing. Allele origin: germline.
Comment: Frameshift variant predicted to result in protein truncation or nonsense mediated decay in a gene for which loss of function is a known mechanism of disease; This variant is associated with the following publications: (PMID: 28192371, 28495692, 28099038, 36028256)

Victorian Clinical Genetics Services, Murdoch Childrens Research Institute
Classification: Pathogenic for Pulmonary fibrosis and/or bone marrow failure, Telomere-related, 4. Last evaluated: 2025-10-02. Review status: criteria provided, single submitter. Criteria: ACMG Guidelines, 2015. Collection method: clinical testing. Allele origin: germline.
Comment: This variant is classified as Pathogenic. Evidence in support of pathogenic classification: Variant is predicted to cause nonsense-mediated decay (NMD) and loss of protein (premature termination codon is located at least 54 nucleotides upstream of the final exon-exon junction); Variant is present in gnomAD <0.01 for a condition (v4: 56 heterozygotes, 0 homozygotes); This variant has moderate previous evidence of pathogenicity in unrelated individuals. This variant has been classified as pathogenic/likely pathogenic by clinical laboratories in ClinVar, and reported in the literature in a heterozygous individual with IPF (PMIDs: 28099038, 28495692); Other NMD-predicted variants comparable to the one identified in this case have very strong previous evidence for pathogenic. These variants have been classified as pathogenic, and reported in heterozygous individuals with idiopathic pulmonary fibrosis (IPF; PMID: 28099038). Additional information: This variant is heterozygous; This gene is associated with both recessive and dominant disease; Loss of function is a known mechanism of disease in this gene and is associated with dyskeratosis congenita, autosomal recessive 6 (MIM#616353) and pulmonary fibrosis and/or bone marrow failure, telomere-related, 4 (MIM#616371); The condition associated with this gene has incomplete penetrance (PMID: 25848748); Variants in this gene are known to have variable expressivity. Intra-familial variability has been reported (PMID: 20301779).

Labcorp Genetics (formerly Invitae), Labcorp
Classification: Pathogenic for Dyskeratosis congenita, autosomal recessive 6; Pulmonary fibrosis and/or bone marrow failure, Telomere-related, 4. Last evaluated: 2024-09-13. Review status: criteria provided, single submitter. Criteria: Invitae Variant Classification Sherloc (09022015). Collection method: clinical testing. Allele origin: germline.
Comment: This sequence change creates a premature translational stop signal (p.Glu585Aspfs*5) in the PARN gene. It is expected to result in an absent or disrupted protein product. Loss-of-function variants in PARN are known to be pathogenic (PMID: 9736620, 25848748, 26810774). This variant is present in population databases (no rsID available, gnomAD 0.02%). This premature translational stop signal has been observed in individual(s) with clinical features of PARN-related conditions (PMID: 28192371, 28495692). ClinVar contains an entry for this variant (Variation ID: 977495). For these reasons, this variant has been classified as Pathogenic.

Blueprint Genetics
Classification: Likely pathogenic for PARN-related disorders. Last evaluated: 2023-02-10. Review status: criteria provided, single submitter. Criteria: ACMG Guidelines, 2015. Collection method: clinical testing. Allele origin: germline. Affected: yes. Observed: 1 variant allele.

Genetic Services Laboratory, University of Chicago
Classification: Likely pathogenic. Last evaluated: 2023-02-09. Review status: criteria provided, single submitter. Criteria: ACMG Guidelines, 2015. Collection method: clinical testing. Allele origin: germline. Affected: yes.
Comment: DNA sequence analysis of the PARN gene demonstrated a 2 base pair deletion in exon 23, c.1749_1750del. This pathogenic sequence change results in an amino acid frameshift and creates a premature stop codon 5 amino acids downstream of the change, p.Glu585Aspfs*5. This pathogenic sequence change is predicted to result in an abnormal transcript, which may be degraded, or may lead to the production of a truncated PARN protein with potentially abnormal function. This sequence change has been described in the gnomAD database in 3 individuals which corresponds to a population frequency of 0.01% (dbSNP rs1194089098).This likely pathogenic sequence change has previously been described in individuals with pulmonary fibrosis or interstitial lung disease (PMID: 28495692, 28192371). Collectively, this evidence indicates that this sequence change is likely pathogenic.

Johns Hopkins Genomics, Johns Hopkins University
Classification: Likely pathogenic for Pulmonary fibrosis and/or bone marrow failure, Telomere-related, 4. Last evaluated: 2020-08-25. Review status: criteria provided, single submitter. Criteria: ACMG Guidelines, 2015. Collection method: clinical testing. Allele origin: germline.
Comment: This frameshift variant results in a premature stop codon, likely leading to nonsense-mediated decay and lack of protein production. PARN c.1749_1750del (rs1194089098) is rare (<0.1%) in a large population dataset (gnomAD: 3/31394 total alleles; 0.01%; no homozygotes) and has not been reported in ClinVar nor the literature, to our knowledge. Loss-of-function variants in PARN are known to be pathogenic. We consider this variant to be likely pathogenic.

Garcia Pulmonary Genetics Research Laboratory, Columbia University Irving Medical Center
Classification: Likely risk allele for Pulmonary fibrosis. Last evaluated: 2022-06-09. Review status: no assertion criteria provided. Collection method: research. Allele origin: germline. Affected: yes. Not counted in ClinVar's aggregate classification.
Comment: Leukocyte telomere length (by qPCR) less than 10th percentile age-adjusted

Literature cited by the submitters: PubMed 28495692 (cited by Victorian Clinical Genetics Services, Murdoch Childrens Research Institute and Labcorp Genetics (formerly Invitae), Labcorp); PubMed 20301779 (cited by Victorian Clinical Genetics Services, Murdoch Childrens Research Institute); PubMed 28099038 (cited by Victorian Clinical Genetics Services, Murdoch Childrens Research Institute); PubMed 25848748 (cited by 3 submitters); PubMed 9736620 (cited by Labcorp Genetics (formerly Invitae), Labcorp and Johns Hopkins Genomics, Johns Hopkins University); PubMed 26810774 (cited by Labcorp Genetics (formerly Invitae), Labcorp and Johns Hopkins Genomics, Johns Hopkins University); PubMed 28192371 (cited by Labcorp Genetics (formerly Invitae), Labcorp).